The following is an entry in ClinVar:

ClinVar aggregate classification (germline): Uncertain significance. Review status: criteria provided, multiple submitters, no conflicts (2 of 4 stars). 2 submissions from 2 submitters: Uncertain significance (2). Last evaluated 2022-10-18.

Submissions (2):

Blueprint Genetics
Classification: Uncertain significance. Last evaluated: 2022-10-18. Review status: criteria provided, single submitter. Criteria: ACMG Guidelines, 2015. Collection method: clinical testing. Allele origin: germline.

Labcorp Genetics (formerly Invitae), Labcorp
Classification: Uncertain significance. Last evaluated: 2020-03-20. Review status: criteria provided, single submitter. Criteria: Invitae Variant Classification Sherloc (09022015). Collection method: clinical testing. Allele origin: germline.
Comment: This sequence change replaces aspartic acid with glutamic acid at codon 138 of the CAPN5 protein (p.Asp138Glu). The aspartic acid residue is moderately conserved and there is a small physicochemical difference between aspartic acid and glutamic acid. This variant is not present in population databases (ExAC no frequency). This variant has not been reported in the literature in individuals with CAPN5-related conditions. Algorithms developed to predict the effect of missense changes on protein structure and function are either unavailable or do not agree on the potential impact of this missense change (SIFT: "Deleterious"; PolyPhen-2: "Possibly Damaging"; Align-GVGD: "Class C0"). In summary, the available evidence is currently insufficient to determine the role of this variant in disease. Therefore, it has been classified as a Variant of Uncertain Significance.

NM_004055.5(CAPN5):c.414C>A (p.Asp138Glu)

Gene: CAPN5 (calpain 5; plus strand). Cytogenetic location: 11q13.5.
Variant type: single nucleotide variant.
Coding change: c.414C>A on transcript NM_004055.5 (MANE Select); coding-DNA position 414, C replaced by A.
Protein change: p.Asp138Glu; replaces aspartic acid 138 with glutamic acid.
Molecular consequence: missense variant.
Genome position (GRCh38, 1-based): chr11:77,112,705, C>A. VCF-style: chr11-77112705-C-A. GRCh37 (hg19) VCF-style: chr11-76823751-C-A.
Other names: short protein forms D138E.
Identifiers: ClinVar variation 999962 (VCV000999962.9), dbSNP rs188838312, ClinGen allele CA381937159.